The following is an entry in ClinVar:

NC_012920.1(MT-ND1):m.4219G>A

Gene: MT-ND1 (mitochondrially encoded NADH dehydrogenase 1; plus strand).
Variant type: single nucleotide variant.
Genome position: chrM-4219-G-A.
Identifiers: ClinVar variation 235315 (VCV000235315.4), dbSNP rs878853008, ClinGen allele CA10581273.
Genomic context (GRCh38, chrMT:4,219, plus strand): 5'-CTCATACACCTCCTATGAAAAAACTTCCTACCACTCACCCTAGCATTACTTATATGATAT[G>A]TCTCCATACCCATTACAATCTCCAGCATTCCCCCTCAAACCTAAGAAATATGTCTGATAA-3'

ClinVar aggregate classification (germline): Benign/Likely benign. Review status: criteria provided, multiple submitters, no conflicts (2 of 4 stars). 2 submissions from 2 submitters: Benign (1); Likely benign (1). Last evaluated 2019-10-17.

Conditions:
Leigh syndrome (NULS). Also called: Leigh Syndrome (mtDNA deletion); Leigh's syndrome; LEIGH SYNDROME, NUCLEAR; Leigh Disease; Subacute necrotizing encephalopathy; Necrotizing encephalopathy infantile subacute of Leigh. Identifiers: Orphanet 506, MedGen C2931891, MONDO:0009723, OMIM 256000.

Submissions (2):

Wong Mito Lab, Molecular and Human Genetics, Baylor College of Medicine
Classification: Benign for Leigh syndrome. Last evaluated: 2019-10-17. Review status: criteria provided, single submitter. Criteria: Modified ACMG Guidelines (Unpublished). Collection method: clinical testing. Allele origin: germline.
Comment: The NC_012920.1:m.4219G>A (YP_003024026.1:p.Val305Ile) variant in MTND1 gene is interpretated to be a Benign variant based on the modified ACMG guidelines (unpublished). This variant meets the following evidence codes: BS1, BS2, BP4

Center for Pediatric Genomic Medicine, Children's Mercy Hospital and Clinics
Classification: Likely benign. Last evaluated: 2015-08-12. Review status: criteria provided, single submitter. Criteria: ACMG Guidelines, 2015. Collection method: clinical testing. Allele origin: germline.
ClinVar note: Converted during submission from Likely Benign to Likely benign.